The following is an entry in ClinVar:

NM_000478.6(ALPL):c.601T>C (p.Cys201Arg)

Gene: ALPL (alkaline phosphatase, biomineralization associated; plus strand). Cytogenetic location: 1p36.12.
Variant type: single nucleotide variant.
Coding change: c.601T>C on transcript NM_000478.6 (MANE Select); coding-DNA position 601, T replaced by C.
Protein change: p.Cys201Arg; replaces cysteine 201 with arginine.
Molecular consequence: missense variant.
Genome position (GRCh38, 1-based): chr1:21,564,169, T>C. VCF-style: chr1-21564169-T-C. GRCh37 (hg19) VCF-style: chr1-21890662-T-C.
Other names: c.436T>C, p.Cys146Arg (NM_001127501.4); c.370T>C, p.Cys124Arg (NM_001177520.3); c.601T>C, p.Cys201Arg (NM_001369803.2, NM_001369804.2, NM_001369805.2); short protein forms C124R, C146R, C201R.
Identifiers: ClinVar variation 1334795 (VCV001334795.3), dbSNP rs2148161800, ClinGen allele CA338878253.

ClinVar aggregate classification (germline): Likely pathogenic. Review status: criteria provided, multiple submitters, no conflicts (2 of 4 stars). 2 submissions from 2 submitters: Likely pathogenic (2). Last evaluated 2026-09-01.

Conditions:
Hypophosphatasia. Also called: Phosphoethanol-aminuria. Identifiers: Orphanet 436, MedGen C0020630, MeSH D007014, MONDO:0018570.

Submissions (2):

Genomenon, Inc
Classification: Likely pathogenic for Hypophosphatasia. Last evaluated: 2026-09-01. Review status: criteria provided, single submitter. Criteria: Genomenon Sequence Variant Interpretation Standards - Updated. Collection method: curation. Allele origin: germline. Affected: yes.
Comment: ALPL p.Cys201Arg (c.601T>C) is a missense variant that changes the amino acid at codon 201 from Cysteine to Arginine. This variant has been observed in at least one proband affected with an ALPL-related disorder (PMID:29724887). At least one functional study has demonstrated a substantial alteration in protein function relative to the wild-type (PMID:40386289). It is absent or not present at a significant frequency in gnomAD. In silico models predict that this variant is possibly or probably damaging. In conclusion, we classify ALPL p.Cys201Arg (c.601T>C) as a likely pathogenic variant.

JKU Lab, Dept of Paediatrics, Johannes Kepler University
Classification: Likely pathogenic for Hypophosphatasia. Last evaluated: 2021-12-16. Review status: criteria provided, single submitter. Criteria: ACMG Guidelines, 2015. Collection method: clinical testing. Allele origin: germline. Affected: yes. Observed: 1 heterozygote.
Comment: This variant is absent from large population studies. Functional studies performed at the JKU Hoegler lab showed reduced ALPL activity. ACMG Criteria used for classification: PS3_mod, PM2_sup, PP2_sup, PP3_sup, PP4_sup.

Literature cited by the submitters: PubMed 29724887 (cited by Genomenon, Inc and JKU Lab, Dept of Paediatrics, Johannes Kepler University); PubMed 40386289 (cited by Genomenon, Inc).